The following is an entry in ClinVar:

ClinVar aggregate classification (germline): Pathogenic. Review status: criteria provided, multiple submitters, no conflicts (2 of 4 stars). 2 submissions from 2 submitters: Pathogenic (2). Last evaluated 2026-03-23.

Conditions:
Cardiovascular phenotype. Identifiers: MedGen CN230736.
Hypertrophic cardiomyopathy. Also called: HYPERTROPHIC MYOCARDIOPATHY. Identifiers: Orphanet 217569, MedGen C0007194, MeSH D002312, MONDO:0005045, HP:0001639.

Submissions (2):

Ambry Genetics
Classification: Pathogenic for Cardiovascular phenotype. Last evaluated: 2026-03-23. Review status: criteria provided, single submitter. Criteria: Ambry Variant Classification Scheme 2023. Collection method: clinical testing. Allele origin: germline.
Comment: The c.3746delG pathogenic mutation, located in coding exon 33 of the MYBPC3 gene, results from a deletion of one nucleotide at nucleotide position 3746, causing a translational frameshift with a predicted alternate stop codon (p.G1249Afs*82). This variant was reported in individual(s) with features consistent with hypertrophic cardiomyopathy (HCM) (Wang J et al. Eur J Heart Fail, 2014 Sep;16:950-7; Rao VJ et al. J Am Heart Assoc, 2025 Nov;14:e042036). This variant is considered to be rare based on population cohorts in the Genome Aggregation Database (gnomAD). This alteration is expected to result in loss of function by premature protein truncation or nonsense-mediated mRNA decay. As such, this alteration is interpreted as a disease-causing mutation.

Labcorp Genetics (formerly Invitae), Labcorp
Classification: Pathogenic for Hypertrophic cardiomyopathy. Last evaluated: 2025-09-22. Review status: criteria provided, single submitter. Criteria: Invitae Variant Classification Sherloc (09022015). Collection method: clinical testing. Allele origin: germline.
Comment: This sequence change is expected to alter the c-terminus of the MYBPC3 protein (p.Gly1249Alafs*82). While this is not anticipated to result in nonsense mediated decay, it is expected to disrupt the last 26 amino acid(s) of the MYBPC3 protein and extend the protein by 55 additional amino acid residues. This variant is not present in population databases (gnomAD no frequency). This variant has not been reported in the literature in individuals affected with MYBPC3-related conditions. ClinVar contains an entry for this variant (Variation ID: 1460174). Algorithms developed to predict the effect of sequence changes on RNA splicing suggest that this variant may disrupt the consensus splice site. This variant disrupts a region of the MYBPC3 protein in which other variant(s) (p.Arg1271*) have been determined to be pathogenic (PMID: 18533079, 23396983; internal data). This suggests that this is a clinically significant region of the protein, and that variants that disrupt it are likely to be disease-causing. For these reasons, this variant has been classified as Pathogenic.

Literature cited by the submitters: PubMed 25132132 (cited by Ambry Genetics); PubMed 41128141 (cited by Ambry Genetics); PubMed 18533079 (cited by Labcorp Genetics (formerly Invitae), Labcorp); PubMed 23396983 (cited by Labcorp Genetics (formerly Invitae), Labcorp).

NM_000256.3(MYBPC3):c.3746del (p.Gly1249fs)

Gene: MYBPC3 (myosin binding protein C3; minus strand). Cytogenetic location: 11p11.2.
Variant type: Deletion.
Coding change: c.3746del on transcript NM_000256.3 (MANE Select); coding-DNA position 3746, one base deleted (G; older notation c.3746delG).
Protein change: p.Gly1249fs; shifts the reading frame from glycine 1249.
Molecular consequence: frameshift variant.
Genome position (GRCh38, 1-based): chr11:47,332,140, C deleted on the plus strand (G on the coding strand, the reverse complement: MYBPC3 is on the minus strand); the first of 5 consecutive C bases (chr11:47,332,140-47,332,144); deleting any one gives the same sequence. VCF-style (leftmost placement, unchanged base first): chr11-47332139-GC-G. GRCh37 (hg19) VCF-style: chr11-47353690-GC-G.
Other names: c.3746delG (NM_000256.3); short protein forms G1249fs.
Identifiers: ClinVar variation 1460174 (VCV001460174.7), dbSNP rs2142849315, ClinGen allele CA2573146356.
Genomic context (GRCh38, chr11:47,332,139, plus strand): 5'-CTCCAGGCGGCACTCACACCGTGCCTCGCCCTGTAAGTTGGTGGCCCTGCAGACATAGAT[GC>G]CCCCGTCAAAGGGGCAGGGCTTTCTAATCTCCAGAGTCAACACTCCCTGCTTGCTGAACA-3'